The following is an entry in ClinVar:

NM_001168221.2(CATSPERT):c.5255T>C (p.Leu1752Ser)

Gene: CATSPERT (catsper channel auxiliary subunit tau; minus strand). Cytogenetic location: 2q33.1.
Variant type: single nucleotide variant.
Coding change: c.5255T>C on transcript NM_001168221.2 (MANE Select); coding-DNA position 5255, T replaced by C.
Protein change: p.Leu1752Ser; replaces leucine 1752 with serine.
Molecular consequence: missense variant. On other transcripts: 3 prime UTR variant (1).
Genome position (GRCh38, 1-based): chr2:201,487,820, A>G on the plus strand (T>C on the coding strand, the complement: CATSPERT is on the minus strand). VCF-style: chr2-201487820-A-G. GRCh37 (hg19) VCF-style: chr2-202352543-A-G.
Other names: c.*132T>C (NM_001168216.2); c.1664T>C, p.Leu555Ser (NM_152525.6); short protein forms L1752S, L555S.
Identifiers: ClinVar variation 161549 (VCV000161549.2), dbSNP rs193920769, ClinGen allele CA174317.

ClinVar aggregate classification (germline): Uncertain significance (0 of 4 stars; one submission).

Conditions:
Prostate cancer. Also called: Malignant tumor of prostate. Identifiers: Orphanet 1331, MedGen C0376358, MONDO:0008315, HP:0012125.

Submission:

Science for Life laboratory,  Karolinska Institutet
Classification: Uncertain significance for Malignant tumor of prostate. Review status: no assertion criteria provided. Collection method: not provided. Allele origin: somatic.
Comment: TumorID:SWE-1
ClinVar note: Converted during submission from Unknown to Uncertain significance.